The following is an entry in ClinVar:

NM_000237.3(LPL):c.598C>T (p.Pro200Ser)

Gene: LPL (lipoprotein lipase; plus strand). Cytogenetic location: 8p21.3.
Variant type: single nucleotide variant.
Coding change: c.598C>T on transcript NM_000237.3 (MANE Select); coding-DNA position 598, C replaced by T.
Protein change: p.Pro200Ser; replaces proline 200 with serine.
Molecular consequence: missense variant.
Genome position (GRCh38, 1-based): chr8:19,954,176, C>T. VCF-style: chr8-19954176-C-T. GRCh37 (hg19) VCF-style: chr8-19811687-C-T.
Other names: short protein forms P200S.
Identifiers: ClinVar variation 1750886 (VCV001750886.2), dbSNP rs773002707, ClinGen allele CA4655479.
Genomic context (GRCh38, chr8:19,954,176, plus strand): 5'-TAAGGCCTCGATCCAGCTGGACCTAACTTTGAGTATGCAGAAGCCCCGAGTCGTCTTTCT[C>T]CTGATGATGCAGATTTTGTAGACGTCTTACACACATTCACCAGAGGGTCCCCTGGTCGAA-3'
Protein context (NP_000228.1, residues 190-210): EYAEAPSRLS[Pro200Ser]DDADFVDVLH

ClinVar aggregate classification (germline): Uncertain significance (1 of 4 stars; one submission).

Conditions:
Cardiovascular phenotype. Identifiers: MedGen CN230736.

Allele frequency attached by ClinVar (database versions not stated): TOPMed 0.00001; gnomAD exomes 0.00002; ExAC 0.00007.

Submission:

Ambry Genetics
Classification: Uncertain significance for Cardiovascular phenotype. Last evaluated: 2022-01-17. Review status: criteria provided, single submitter. Criteria: Ambry Variant Classification Scheme 2023. Collection method: clinical testing. Allele origin: germline.
Comment: The p.P200S variant (also known as c.598C>T), located in coding exon 5 of the LPL gene, results from a C to T substitution at nucleotide position 598. The proline at codon 200 is replaced by serine, an amino acid with similar properties. This amino acid position is conserved. In addition, the in silico prediction for this alteration is inconclusive. Since supporting evidence is limited at this time, the clinical significance of this alteration remains unclear.